The following is an entry in ClinVar:

NM_001330360.2(POLA1):c.2138A>G (p.His713Arg)

Gene: POLA1 (DNA polymerase alpha 1, catalytic subunit; plus strand). Cytogenetic location: Xp22.11.
Variant type: single nucleotide variant.
Coding change: c.2138A>G on transcript NM_001330360.2 (MANE Select); coding-DNA position 2138, A replaced by G.
Protein change: p.His713Arg; replaces histidine 713 with arginine.
Molecular consequence: missense variant.
Genome position (GRCh38, 1-based): chrX:24,739,472, A>G. VCF-style: chrX-24739472-A-G. GRCh37 (hg19) VCF-style: chrX-24757589-A-G.
Other names: c.2063A>G, p.His688Arg (NM_001378303.1); c.2120A>G, p.His707Arg (NM_016937.4); short protein forms H707R, H713R, H688R.
Identifiers: ClinVar variation 1421668 (VCV001421668.8), dbSNP rs752900734, ClinGen allele CA10373113.

ClinVar aggregate classification (germline): Uncertain significance (1 of 4 stars; one submission).

Allele frequency attached by ClinVar (database versions not stated): ExAC 0.00001; gnomAD 0.00001; gnomAD exomes 0.00001.

Submission:

Labcorp Genetics (formerly Invitae), Labcorp
Classification: Uncertain significance. Last evaluated: 2020-11-10. Review status: criteria provided, single submitter. Criteria: Invitae Variant Classification Sherloc (09022015). Collection method: clinical testing. Allele origin: germline.
Comment: Algorithms developed to predict the effect of missense changes on protein structure and function are either unavailable or do not agree on the potential impact of this missense change (SIFT: "Deleterious"; PolyPhen-2: "Possibly Damaging"; Align-GVGD: "Class C0"). This sequence change replaces histidine with arginine at codon 707 of the POLA1 protein (p.His707Arg). The histidine residue is highly conserved and there is a small physicochemical difference between histidine and arginine. This variant is present in population databases (rs752900734, ExAC 0.002%). This variant has not been reported in the literature in individuals with POLA1-related conditions. In summary, the available evidence is currently insufficient to determine the role of this variant in disease. Therefore, it has been classified as a Variant of Uncertain Significance.